The following is an entry in ClinVar:

ClinVar aggregate classification (germline): Likely benign (1 of 4 stars; one submission).

Submission:

CeGaT Center for Human Genetics Tuebingen
Classification: Likely benign. Last evaluated: 2026-03-01. Review status: criteria provided, single submitter. Criteria: CeGaT Center For Human Genetics Tuebingen Variant Classification Criteria Version 2. Collection method: clinical testing. Allele origin: germline. Affected: yes. Observed: 1 variant allele.
Comment: CENPF: PM2:Supporting, BP4, BP7

NM_016343.4(CENPF):c.75A>G (p.Gly25=)

Gene: CENPF (centromere protein F; plus strand). Cytogenetic location: 1q41.
Variant type: single nucleotide variant.
Coding change: c.75A>G on transcript NM_016343.4 (MANE Select); coding-DNA position 75, A replaced by G.
Protein change: p.Gly25=; no amino-acid change (glycine 25 retained).
Molecular consequence: synonymous variant.
Genome position (GRCh38, 1-based): chr1:214,613,829, A>G. VCF-style: chr1-214613829-A-G. GRCh37 (hg19) VCF-style: chr1-214787172-A-G.
Identifiers: ClinVar variation 4821826 (VCV004821826.4).
Genomic context (GRCh38, chr1:214,613,829, plus strand): 5'-GGAAGAATGGAAAGAAGGGCTGCCTACAAGAGCTCTTCAGAAAATTCAAGAGCTTGAAGG[A>G]CAGCTTGACAAACTGAAGAAGGAAAAGCAGCAAAGGCAGTTTCAGCTTGACAGTCTCGAG-3'
Protein context (NP_057427.3, residues 15-35): RALQKIQELE[Gly25=]QLDKLKKEKQ